The following is an entry in ClinVar:

ClinVar aggregate classification (germline): Uncertain significance (1 of 4 stars; one submission).

Conditions:
Hereditary cancer-predisposing syndrome. Also called: Neoplastic Syndromes, Hereditary; Tumor predisposition; Hereditary Cancer Syndrome; Hereditary neoplastic syndrome. Identifiers: Orphanet 140162, MedGen C0027672, MeSH D009386, MONDO:0015356.

Submission:

Ambry Genetics
Classification: Uncertain significance for Hereditary cancer-predisposing syndrome. Last evaluated: 2026-04-25. Review status: criteria provided, single submitter. Criteria: Ambry Variant Classification Scheme 2023. Collection method: clinical testing. Allele origin: germline.
Comment: The p.R29G variant (also known as c.85C>G), located in coding exon 1 of the TMEM127 gene, results from a C to G substitution at nucleotide position 85. The arginine at codon 29 is replaced by glycine, an amino acid with dissimilar properties. This amino acid position is conserved. In addition, this alteration is predicted to be deleterious by in silico analysis. Based on the available evidence, the clinical significance of this variant remains unclear.

NM_017849.4(TMEM127):c.85C>G (p.Arg29Gly)

Genes: TMEM127 (transmembrane protein 127; minus strand), LOC129934333 (ATAC-STARR-seq lymphoblastoid silent region 11759; plus strand). Cytogenetic location: 2q11.2.
Variant type: single nucleotide variant.
Coding change: c.85C>G on transcript NM_017849.4 (MANE Select); coding-DNA position 85, C replaced by G.
Protein change: p.Arg29Gly; replaces arginine 29 with glycine.
Molecular consequence: missense variant. On other transcripts: intron variant (1).
Genome position (GRCh38, 1-based): chr2:96,265,297, G>C on the plus strand (C>G on the coding strand, the complement: TMEM127 is on the minus strand). VCF-style: chr2-96265297-G-C. GRCh37 (hg19) VCF-style: chr2-96931035-G-C.
Other names: c.85C>G, p.Arg29Gly (NM_001193304.3); c.-9+572C>G (NM_001407283.1); short protein forms R29G.
Identifiers: ClinVar variation 4865725 (VCV004865725.1).